The following is an entry in ClinVar:

ClinVar aggregate classification (germline): Likely benign (1 of 4 stars; one submission).

Submission:

CeGaT Center for Human Genetics Tuebingen
Classification: Likely benign. Last evaluated: 2025-10-01. Review status: criteria provided, single submitter. Criteria: CeGaT Center For Human Genetics Tuebingen Variant Classification Criteria Version 2. Collection method: clinical testing. Allele origin: germline. Affected: yes. Observed: 1 variant allele.
Comment: PRAMEF2: BS2

NM_023014.1(PRAMEF2):c.941C>A (p.Ser314Tyr)

Gene: PRAMEF2 (PRAME family member 2; plus strand). Cytogenetic location: 1p36.21.
Variant type: single nucleotide variant.
Coding change: c.941C>A on transcript NM_023014.1 (MANE Select); coding-DNA position 941, C replaced by A.
Protein change: p.Ser314Tyr; replaces serine 314 with tyrosine.
Molecular consequence: missense variant.
Genome position (GRCh38, 1-based): chr1:12,861,295, C>A. VCF-style: chr1-12861295-C-A. GRCh37 (hg19) VCF-style: chr1-12921150-C-A.
Other names: short protein forms S314Y.
Identifiers: ClinVar variation 4533519 (VCV004533519.6).
Genomic context (GRCh38, chr1:12,861,295, plus strand): 5'-CCTTGGAGAACTTGGAATTAACTTGTGGCAACCTATTAGAAGAGGACTTGAAGTGTCTCT[C>A]CCAGTTCCCAAGCCTCGGTTACCTAAAGCATCTGAATCTCAGCTACGTGCTGCTGTTCCG-3'
Protein context (NP_075390.1, residues 304-324): NLLEEDLKCL[Ser314Tyr]QFPSLGYLKH